The following is an entry in ClinVar:

ClinVar aggregate classification (germline): Uncertain significance. Review status: criteria provided, multiple submitters, no conflicts (2 of 4 stars). 2 submissions from 2 submitters: Uncertain significance (2). Last evaluated 2023-10-19.

Conditions:
Ullrich congenital muscular dystrophy 2 (UCMD2). Identifiers: Orphanet 75840, MedGen C4225314, MONDO:0014654, OMIM 616470.
Bethlem myopathy 2 (BTHLM2). Identifiers: Orphanet 536516, Orphanet 610, MedGen C4225313, MONDO:0034022, OMIM 616471.

Allele frequency attached by ClinVar (database versions not stated): ExAC 0.00001; gnomAD 0.00001; gnomAD exomes 0.00001 and 0.00002; TOPMed 0.00001.
gnomAD v4.1: 31 of 1,614,096 alleles (0.0019%); highest among the groups gnomAD compares: Non-Finnish European, 0.0024%; no homozygotes.

Submissions (2):

Blueprint Genetics
Classification: Uncertain significance. Last evaluated: 2023-10-19. Review status: criteria provided, single submitter. Criteria: ACMG Guidelines, 2015. Collection method: clinical testing. Allele origin: germline.

Labcorp Genetics (formerly Invitae), Labcorp
Classification: Uncertain significance for Bethlem myopathy 2; Ullrich congenital muscular dystrophy 2. Last evaluated: 2022-08-13. Review status: criteria provided, single submitter. Criteria: Invitae Variant Classification Sherloc (09022015). Collection method: clinical testing. Allele origin: germline.
Comment: This sequence change replaces glutamine, which is neutral and polar, with leucine, which is neutral and non-polar, at codon 478 of the COL12A1 protein (p.Gln478Leu). In summary, the available evidence is currently insufficient to determine the role of this variant in disease. Therefore, it has been classified as a Variant of Uncertain Significance. Algorithms developed to predict the effect of missense changes on protein structure and function are either unavailable or do not agree on the potential impact of this missense change (SIFT: "Deleterious"; PolyPhen-2: "Probably Damaging"; Align-GVGD: "Class C0"). ClinVar contains an entry for this variant (Variation ID: 1007031). This variant has not been reported in the literature in individuals affected with COL12A1-related conditions. This variant is present in population databases (rs770461984, gnomAD 0.003%).

NM_004370.6(COL12A1):c.1433A>T (p.Gln478Leu)

Gene: COL12A1 (collagen type XII alpha 1 chain; minus strand). Cytogenetic location: 6q13.
Variant type: single nucleotide variant.
Coding change: c.1433A>T on transcript NM_004370.6 (MANE Select); coding-DNA position 1433, A replaced by T.
Protein change: p.Gln478Leu; replaces glutamine 478 with leucine.
Molecular consequence: missense variant. On other transcripts: intron variant (1).
Genome position (GRCh38, 1-based): chr6:75,183,508, T>A on the plus strand (A>T on the coding strand, the complement: COL12A1 is on the minus strand). VCF-style: chr6-75183508-T-A. GRCh37 (hg19) VCF-style: chr6-75893224-T-A.
Other names: c.73+19212A>T (NM_080645.3); short protein forms Q478L.
Identifiers: ClinVar variation 1007031 (VCV001007031.10), dbSNP rs770461984, ClinGen allele CA3894201.